The following is an entry in ClinVar:

ClinVar aggregate classification (germline): Uncertain significance (1 of 4 stars; one submission).

Submission:

GeneDx
Classification: Uncertain significance. Last evaluated: 2021-05-18. Review status: criteria provided, single submitter. Criteria: GeneDx Variant Classification Process June 2021. Collection method: clinical testing. Allele origin: germline. Affected: yes.
Comment: Not observed in large population cohorts (Lek et al., 2016); In silico analysis supports that this missense variant has a deleterious effect on protein structure/function; Has not been previously published as pathogenic or benign to our knowledge

NM_006245.4(PPP2R5D):c.689T>C (p.Ile230Thr)

Gene: PPP2R5D (protein phosphatase 2 regulatory subunit B'delta; plus strand). Cytogenetic location: 6p21.1.
Variant type: single nucleotide variant.
Coding change: c.689T>C on transcript NM_006245.4 (MANE Select); coding-DNA position 689, T replaced by C.
Protein change: p.Ile230Thr; replaces isoleucine 230 with threonine.
Molecular consequence: missense variant.
Genome position (GRCh38, 1-based): chr6:43,007,469, T>C. VCF-style: chr6-43007469-T-C. GRCh37 (hg19) VCF-style: chr6-42975207-T-C.
Other names: c.236T>C, p.Ile79Thr (NM_001270476.2); c.593T>C, p.Ile198Thr (NM_180976.3); c.371T>C, p.Ile124Thr (NM_180977.3); short protein forms I124T, I198T, I230T, I79T.
Identifiers: ClinVar variation 1304495 (VCV001304495.2), dbSNP rs1762147972, ClinGen allele CA364187800.